The following is an entry in ClinVar:

ClinVar aggregate classification (germline): Uncertain significance. Review status: criteria provided, multiple submitters, no conflicts (2 of 4 stars). 2 submissions from 2 submitters: Uncertain significance (2). Last evaluated 2024-07-29.

Allele frequency attached by ClinVar (database versions not stated): ExAC 0.00002.
gnomAD v4.1: 25 of 1,613,922 alleles (0.0015%); highest among the groups gnomAD compares: East Asian, 0.0089%; no homozygotes.

Submissions (2):

Labcorp Genetics (formerly Invitae), Labcorp
Classification: Uncertain significance. Last evaluated: 2024-07-29. Review status: criteria provided, single submitter. Criteria: Invitae Variant Classification Sherloc (09022015). Collection method: clinical testing. Allele origin: germline.
Comment: This sequence change replaces isoleucine, which is neutral and non-polar, with threonine, which is neutral and polar, at codon 120 of the NDUFB10 protein (p.Ile120Thr). This variant is present in population databases (rs531834533, gnomAD 0.005%). This variant has not been reported in the literature in individuals affected with NDUFB10-related conditions. ClinVar contains an entry for this variant (Variation ID: 2327737). An algorithm developed to predict the effect of missense changes on protein structure and function outputs the following: PolyPhen-2: "Benign". The threonine amino acid residue is found in multiple mammalian species, which suggests that this missense change does not adversely affect protein function. In summary, the available evidence is currently insufficient to determine the role of this variant in disease. Therefore, it has been classified as a Variant of Uncertain Significance.

Ambry Genetics
Classification: Uncertain significance. Last evaluated: 2022-11-18. Review status: criteria provided, single submitter. Criteria: Ambry Variant Classification Scheme 2023. Collection method: clinical testing. Allele origin: germline.

NM_004548.3(NDUFB10):c.359T>C (p.Ile120Thr)

Genes: NDUFB10 (NADH:ubiquinone oxidoreductase subunit B10; plus strand), LOC130058198 (ATAC-STARR-seq lymphoblastoid active region 10241; plus strand). Cytogenetic location: 16p13.3.
Variant type: single nucleotide variant.
Coding change: c.359T>C on transcript NM_004548.3 (MANE Select); coding-DNA position 359, T replaced by C.
Protein change: p.Ile120Thr; replaces isoleucine 120 with threonine.
Molecular consequence: missense variant.
Genome position (GRCh38, 1-based): chr16:1,961,586, T>C. VCF-style: chr16-1961586-T-C. GRCh37 (hg19) VCF-style: chr16-2011587-T-C.
Other names: short protein forms I120T.
Identifiers: ClinVar variation 2327737 (VCV002327737.5), dbSNP rs531834533, ClinGen allele CA7823348.